The following is an entry in ClinVar:

NM_170675.5(MEIS2):c.38G>A (p.Gly13Glu)

Gene: MEIS2 (Meis homeobox 2; minus strand). Cytogenetic location: 15q14.
Variant type: single nucleotide variant.
Coding change: c.38G>A on transcript NM_170675.5 (MANE Select); coding-DNA position 38, G replaced by A.
Protein change: p.Gly13Glu; replaces glycine 13 with glutamic acid.
Molecular consequence: missense variant. On other transcripts: 5 prime UTR variant (3), non-coding transcript variant (1).
Genome position (GRCh38, 1-based): chr15:37,098,174, C>T on the plus strand (G>A on the coding strand, the complement: MEIS2 is on the minus strand). VCF-style: chr15-37098174-C-T. GRCh37 (hg19) VCF-style: chr15-37390375-C-T.
Other names: c.38G>A, p.Gly13Glu (NM_001220482.2, NM_170674.5, NM_170676.5 and 1 more transcripts); c.-2G>A (NM_002399.4, NM_172315.3); c.-204G>A (NM_172316.3); short protein forms G13E.
Identifiers: ClinVar variation 432494 (VCV000432494.2), dbSNP rs1555473800, ClinGen allele CA391929261.

ClinVar aggregate classification (germline): Uncertain significance (1 of 4 stars; one submission).

Submission:

GeneDx
Classification: Uncertain significance. Last evaluated: 2017-06-05. Review status: criteria provided, single submitter. Criteria: GeneDx Variant Classification (06012015). Collection method: clinical testing. Allele origin: germline. Affected: yes.
Comment: The G13E variant in the MEIS2 gene has not been reported previously as a pathogenic variant, nor as a benign variant, to our knowledge. This variant is not observed in large population cohorts (Lek et al., 2016; 1000 Genomes Consortium et al., 2015; Exome Variant Server). The G13E variant is a non-conservative amino acid substitution, which is likely to impact secondary protein structure as these residues differ in polarity, charge, size and/or other properties. This substitution occurs at a position that is conserved across species, and in silico analysis predicts this variant is probably damaging to the protein structure/function. We interpret G13E as a variant of uncertain significance.